The following is an entry in ClinVar:

ClinVar aggregate classification (germline): Uncertain significance. Review status: criteria provided, multiple submitters, no conflicts (2 of 4 stars). 2 submissions from 2 submitters: Uncertain significance (2). Last evaluated 2023-10-20.

Conditions:
Hereditary cancer-predisposing syndrome. Also called: Neoplastic Syndromes, Hereditary; Tumor predisposition; Hereditary Cancer Syndrome; Hereditary neoplastic syndrome. Identifiers: Orphanet 140162, MedGen C0027672, MeSH D009386, MONDO:0015356.
Ataxia-telangiectasia syndrome (AT). Also called: Ataxia telangiectasia (A-T); ATAXIA-TELANGIECTASIA, COMPLEMENTATION GROUP A; ATAXIA-TELANGIECTASIA, FRESNO VARIANT; Ataxia-telangiectasia; Ataxia-telangiectasia, complementation group E; LOUIS-BAR SYNDROME. Identifiers: Orphanet 100, MedGen C0004135, MONDO:0008840, OMIM 208900.

Submissions (2):

Ambry Genetics
Classification: Uncertain significance for Hereditary cancer-predisposing syndrome. Last evaluated: 2023-10-20. Review status: criteria provided, single submitter. Criteria: Ambry Variant Classification Scheme 2023. Collection method: clinical testing. Allele origin: germline.
Comment: The p.V2731G variant (also known as c.8192T>G), located in coding exon 55 of the ATM gene, results from a T to G substitution at nucleotide position 8192. The valine at codon 2731 is replaced by glycine, an amino acid with dissimilar properties. This amino acid position is highly conserved in available vertebrate species. In addition, this alteration is predicted to be deleterious by in silico analysis. Since supporting evidence is limited at this time, the clinical significance of this alteration remains unclear.

Labcorp Genetics (formerly Invitae), Labcorp
Classification: Uncertain significance for Ataxia-telangiectasia syndrome. Last evaluated: 2022-08-09. Review status: criteria provided, single submitter. Criteria: Invitae Variant Classification Sherloc (09022015). Collection method: clinical testing. Allele origin: germline.
Comment: In summary, the available evidence is currently insufficient to determine the role of this variant in disease. Therefore, it has been classified as a Variant of Uncertain Significance. Advanced modeling of protein sequence and biophysical properties (such as structural, functional, and spatial information, amino acid conservation, physicochemical variation, residue mobility, and thermodynamic stability) performed at Invitae indicates that this missense variant is expected to disrupt ATM protein function. ClinVar contains an entry for this variant (Variation ID: 1037071). This variant has not been reported in the literature in individuals affected with ATM-related conditions. This variant is not present in population databases (gnomAD no frequency). This sequence change replaces valine, which is neutral and non-polar, with glycine, which is neutral and non-polar, at codon 2731 of the ATM protein (p.Val2731Gly).

NM_000051.4(ATM):c.8192T>G (p.Val2731Gly)

Genes: ATM (ATM serine/threonine kinase; plus strand), C11orf65 (chromosome 11 open reading frame 65; minus strand). Cytogenetic location: 11q22.3.
Variant type: single nucleotide variant.
Coding change: c.8192T>G on transcript NM_000051.4 (MANE Select); coding-DNA position 8192, T replaced by G.
Protein change: p.Val2731Gly; replaces valine 2731 with glycine.
Molecular consequence: missense variant. On other transcripts: intron variant (2).
Genome position (GRCh38, 1-based): chr11:108,335,885, T>G. VCF-style: chr11-108335885-T-G. GRCh37 (hg19) VCF-style: chr11-108206612-T-G.
Other names: c.8192T>G, p.Val2731Gly (NM_001351834.2); c.641-26814A>C (NM_001330368.2); c.695-593A>C (NM_001351110.2); short protein forms V2731G.
Identifiers: ClinVar variation 1037071 (VCV001037071.11), dbSNP rs2086789387, ClinGen allele CA382562542.